The following is an entry in ClinVar:

ClinVar aggregate classification (germline): Uncertain significance (1 of 4 stars; one submission).

Conditions:
Early-infantile DEE. Also called: Ohtahara syndrome; Early infantile epileptic encephalopathy with suppression bursts; Early infantile epileptic encephalopathy. Identifiers: Orphanet 1934, MedGen C0393706, MONDO:0800491.

Submission:

Labcorp Genetics (formerly Invitae), Labcorp
Classification: Uncertain significance for Early-infantile DEE. Last evaluated: 2023-10-15. Review status: criteria provided, single submitter. Criteria: Invitae Variant Classification Sherloc (09022015). Collection method: clinical testing. Allele origin: germline.
Comment: This sequence change creates a premature translational stop signal (p.Gln83*) in the KCNH5 gene. It is expected to result in an absent or disrupted protein product. However, the current clinical and genetic evidence is not sufficient to establish whether loss-of-function variants in KCNH5 cause disease. This variant is not present in population databases (gnomAD no frequency). This variant has not been reported in the literature in individuals affected with KCNH5-related conditions. Algorithms developed to predict the effect of sequence changes on RNA splicing suggest that this variant may create or strengthen a splice site. In summary, the available evidence is currently insufficient to determine the role of this variant in disease. Therefore, it has been classified as a Variant of Uncertain Significance.

NM_139318.5(KCNH5):c.247C>T (p.Gln83Ter)

Gene: KCNH5 (potassium voltage-gated channel subfamily H member 5; minus strand). Cytogenetic location: 14q23.2.
Variant type: single nucleotide variant.
Coding change: c.247C>T on transcript NM_139318.5 (MANE Select); coding-DNA position 247, C replaced by T.
Protein change: p.Gln83Ter; replaces glutamine 83 with a stop codon.
Molecular consequence: nonsense.
Genome position (GRCh38, 1-based): chr14:63,006,423, G>A on the plus strand (C>T on the coding strand, the complement: KCNH5 is on the minus strand). VCF-style: chr14-63006423-G-A. GRCh37 (hg19) VCF-style: chr14-63473141-G-A.
Other names: c.247C>T, p.Gln83Ter (NM_172375.3); short protein forms Q83*.
Identifiers: ClinVar variation 2861864 (VCV002861864.3), dbSNP rs2503077400, ClinGen allele CA390106123.